The following is an entry in ClinVar:

ClinVar aggregate classification (germline): Conflicting classifications of pathogenicity. Review status: criteria provided, conflicting classifications (1 of 4 stars). 4 submissions from 4 submitters: Pathogenic (1); Likely pathogenic (1); Uncertain significance (1). 1 of the submissions does not count toward it. Last evaluated 2026-02-26.

Conditions:
Biotinidase deficiency. Also called: BTD deficiency; Late-onset biotin-responsive multiple carboxylase deficiency; Biotin deficiency. Identifiers: Orphanet 79241, MedGen C0220754, MONDO:0009665, OMIM 253260.

Submissions (4):

Women's Health and Genetics/Laboratory Corporation of America, LabCorp
Classification: Uncertain significance. Last evaluated: 2026-02-26. Review status: criteria provided, single submitter. Criteria: LabCorp Variant Classification Summary - May 2015. Collection method: clinical testing. Allele origin: germline.
Comment: Variant summary: BTD c.-17+1G>A is located in the untranslated mRNA region upstream of the initiation codon. Several computational tools predict a significant impact on normal splicing: Four predict the variant abolishes a 5' splicing donor site. However, these predictions have yet to be confirmed by functional studies. The variant was absent in 249782 control chromosomes. The available data on variant occurrences in the general population are insufficient to allow any conclusion about variant significance. c.-17+1G>A has been observed in an individual affected with partial Biotinidase Deficiency but without clinical phenotype (Murry_2018, Green_2023). These reports do not provide unequivocal conclusions about association of the variant with Biotinidase Deficiency. To our knowledge, no experimental evidence demonstrating an impact on protein function has been reported. The following publications have been ascertained in the context of this evaluation (PMID: 37279760, 29728376). ClinVar contains an entry for this variant (Variation ID: 370376). Based on the evidence outlined above, the variant was classified as uncertain significance.

Natera, Inc.
Classification: Pathogenic for Biotinidase deficiency. Last evaluated: 2024-07-04. Review status: criteria provided, single submitter. Criteria: Natera Variant Classification Schema (03/2026). Collection method: clinical testing. Allele origin: germline.
Comment: The c.-17+1G>A variant in BTD is a canonical splice donor site variant predicted to affect pre-mRNA splicing, which may result in an abnormal transcript and altered protein product. This variant is expected to result in nonsense mediated decay, truncation, or a dysfunctional protein product. This variant is rare in the general population with a frequency below the threshold expected for the associated phenotype(s). This variant has been observed in one or more individuals affected with the associated recessive disease, as either homozygous or compound heterozygous with a second variant (PMID: 29728376). Given the available evidence, this variant is classified as Pathogenic.

Laboratory for Molecular Medicine, Mass General Brigham Personalized Medicine
Classification: Likely pathogenic for Biotinidase deficiency. Last evaluated: 2016-09-02. Review status: criteria provided, single submitter. Criteria: LMM Criteria. Collection method: clinical testing. Allele origin: germline. Inheritance: Autosomal recessive inheritance. Observed: 2 variant alleles.
Comment: The c.44+1G>A variant in BTD has not been previously reported in patients with b iotinidase deficiency and was absent from large population studies. This variant occurs in the invariant region (+/- 1,2) of the splice consensus sequence and i s predicted to cause altered splicing leading to an abnormal or absent protein. Biallelic loss of function of BTD has been associated with biotinidase deficienc y. In summary, although additional studies are required to fully establish its c linical significance, the c.44+1G>A variant in BTD is likely pathogenic.

Counsyl
Classification: Likely pathogenic for Biotinidase deficiency. Last evaluated: 2016-02-01. Review status: no assertion criteria provided. Collection method: clinical testing. Allele origin: unknown. Not counted in ClinVar's aggregate classification.

Literature cited by the submitters: PubMed 37279760 (cited by Women's Health and Genetics/Laboratory Corporation of America, LabCorp); PubMed 29728376 (cited by Women's Health and Genetics/Laboratory Corporation of America, LabCorp and Natera, Inc.); PubMed 15059618 (cited by Counsyl).

NM_001370658.1(BTD):c.-17+1G>A

Gene: BTD (biotinidase; plus strand). Cytogenetic location: 3p25.1.
Variant type: single nucleotide variant.
Coding change: c.-17+1G>A on transcript NM_001370658.1 (MANE Select); the canonical splice donor site of the intron after 17 bases upstream of the start codon, G replaced by A.
Molecular consequence: splice donor variant. On other transcripts: intron variant (4).
Genome position (GRCh38, 1-based): chr3:15,601,895, G>A. VCF-style: chr3-15601895-G-A. GRCh37 (hg19) VCF-style: chr3-15643402-G-A.
Other names: c.-17+248G>A (NM_001407365.1); c.-17+1G>A (NM_001370752.1, NM_001370753.1, NM_001407400.1 and 3 more transcripts); c.-582+1G>A (NM_001407366.1); c.-568+1G>A (NM_001407369.1); c.-191+1G>A (NM_001407374.1, NM_001407390.1); c.-174+1G>A (NM_001407372.1); c.-205+1G>A (NM_001281724.3); c.-136+1G>A (NM_001407373.1); and 7 more.
Identifiers: ClinVar variation 370376 (VCV000370376.12), dbSNP rs1057516440, ClinGen allele CA16040905.
Genomic context (GRCh38, chr3:15,601,895, plus strand): 5'-GGGCTGTAAAGGGAGAATGGCGCATGCGCATATTCAGGGCGGAAGGCGCGCTAAGAGCAG[G>A]TACGGAGGGGGCGTGGTGCGGCGCGGAGGGGGTGTGGTAAGGGCGTGCGGTCCAGACCCC-3'